The following is an entry in ClinVar:

NM_002454.3(MTRR):c.957C>G (p.Asn319Lys)

Gene: MTRR (5-methyltetrahydrofolate-homocysteine methyltransferase reductase; plus strand). Cytogenetic location: 5p15.31.
Variant type: single nucleotide variant.
Coding change: c.957C>G on transcript NM_002454.3 (MANE Select); coding-DNA position 957, C replaced by G.
Protein change: p.Asn319Lys; replaces asparagine 319 with lysine.
Molecular consequence: missense variant. On other transcripts: non-coding transcript variant (14).
Genome position (GRCh38, 1-based): chr5:7,885,754, C>G. VCF-style: chr5-7885754-C-G. GRCh37 (hg19) VCF-style: chr5-7885867-C-G.
Other names: c.957C>G, p.Asn319Lys (NM_001364440.2, NM_001364441.2, NM_001364442.2 and 1 more transcripts); short protein forms N319K.
Identifiers: ClinVar variation 2056907 (VCV002056907.4), dbSNP rs2126745060, ClinGen allele CA359157848.

ClinVar aggregate classification (germline): Uncertain significance (1 of 4 stars; one submission).

Conditions:
Methylcobalamin deficiency type cblE (HMAE). Also called: HOMOCYSTINURIA-MEGALOBLASTIC ANEMIA, cblE COMPLEMENTATION TYPE; VITAMIN B12-RESPONSIVE HOMOCYSTINURIA, cblE TYPE; HOMOCYSTINURIA-MEGALOBLASTIC ANEMIA, cblE TYPE. Identifiers: Orphanet 2169, Orphanet 622, MedGen C1856057, MONDO:0009354, OMIM 236270.

Submission:

Labcorp Genetics (formerly Invitae), Labcorp
Classification: Uncertain significance for Methylcobalamin deficiency type cblE. Last evaluated: 2021-12-24. Review status: criteria provided, single submitter. Criteria: Invitae Variant Classification Sherloc (09022015). Collection method: clinical testing. Allele origin: germline.
Comment: Algorithms developed to predict the effect of missense changes on protein structure and function are either unavailable or do not agree on the potential impact of this missense change (SIFT: "Deleterious"; PolyPhen-2: "Probably Damaging"; Align-GVGD: "Class C0"). This sequence change replaces asparagine, which is neutral and polar, with lysine, which is basic and polar, at codon 319 of the MTRR protein (p.Asn319Lys). This variant is not present in population databases (gnomAD no frequency). This variant has not been reported in the literature in individuals affected with MTRR-related conditions. Algorithms developed to predict the effect of sequence changes on RNA splicing suggest that this variant may create or strengthen a splice site. In summary, the available evidence is currently insufficient to determine the role of this variant in disease. Therefore, it has been classified as a Variant of Uncertain Significance.